The following is an entry in ClinVar:

NM_000493.4(COL10A1):c.355G>A (p.Glu119Lys)

Genes: COL10A1 (collagen type X alpha 1 chain; minus strand), NT5DC1 (5'-nucleotidase domain containing 1; plus strand). Cytogenetic location: 6q22.1.
Variant type: single nucleotide variant.
Coding change: c.355G>A on transcript NM_000493.4 (MANE Select); coding-DNA position 355, G replaced by A.
Protein change: p.Glu119Lys; replaces glutamic acid 119 with lysine.
Molecular consequence: missense variant. On other transcripts: intron variant (1).
Genome position (GRCh38, 1-based): chr6:116,121,761, C>T on the plus strand (G>A on the coding strand, the complement: COL10A1 is on the minus strand). VCF-style: chr6-116121761-C-T. GRCh37 (hg19) VCF-style: chr6-116442924-C-T.
Other names: c.355G>A, p.Glu119Lys (NM_001424106.1, NM_001424107.1); c.529+3816C>T (NM_152729.3); short protein forms E119K.
Identifiers: ClinVar variation 3684885 (VCV003684885.2).

ClinVar aggregate classification (germline): Uncertain significance (1 of 4 stars; one submission).

gnomAD v4.1: 2 of 1,613,922 alleles (0.00012%); highest among the groups gnomAD compares: Admixed American, 0.0033%; no homozygotes.

Submission:

Labcorp Genetics (formerly Invitae), Labcorp
Classification: Uncertain significance. Last evaluated: 2024-10-30. Review status: criteria provided, single submitter. Criteria: Invitae Variant Classification Sherloc (09022015). Collection method: clinical testing. Allele origin: germline.
Comment: This sequence change replaces glutamic acid, which is acidic and polar, with lysine, which is basic and polar, at codon 119 of the COL10A1 protein (p.Glu119Lys). This variant is present in population databases (no rsID available, gnomAD 0.003%). This variant has not been reported in the literature in individuals affected with COL10A1-related conditions. An algorithm developed to predict the effect of missense changes on protein structure and function outputs the following: PolyPhen-2: "Not Available". The lysine amino acid residue is found in multiple mammalian species, which suggests that this missense change does not adversely affect protein function. In summary, the available evidence is currently insufficient to determine the role of this variant in disease. Therefore, it has been classified as a Variant of Uncertain Significance.